The following is an entry in ClinVar:

ClinVar aggregate classification (germline): Uncertain significance (1 of 4 stars; one submission).

Conditions:
Familial meningioma. Also called: Meningioma, familial, susceptibility to. Identifiers: Orphanet 263662, MedGen C3551915, MONDO:0011789, OMIM 607174.

Submission:

Labcorp Genetics (formerly Invitae), Labcorp
Classification: Uncertain significance for Familial meningioma. Last evaluated: 2020-02-11. Review status: criteria provided, single submitter. Criteria: Invitae Variant Classification Sherloc (09022015). Collection method: clinical testing. Allele origin: germline.
Comment: This sequence change replaces proline with leucine at codon 179 of the SMARCE1 protein (p.Pro179Leu). The proline residue is highly conserved and there is a moderate physicochemical difference between proline and leucine. This variant is not present in population databases (ExAC no frequency). This variant has not been reported in the literature in individuals with SMARCE1-related conditions. Algorithms developed to predict the effect of missense changes on protein structure and function are either unavailable or do not agree on the potential impact of this missense change (SIFT: "Deleterious"; PolyPhen-2: "Possibly Damaging"; Align-GVGD: "Class C0"). In summary, the available evidence is currently insufficient to determine the role of this variant in disease. Therefore, it has been classified as a Variant of Uncertain Significance.

NM_003079.5(SMARCE1):c.536C>T (p.Pro179Leu)

Gene: SMARCE1 (SWI/SNF related BAF chromatin remodeling complex subunit E1; minus strand). Cytogenetic location: 17q21.2.
Variant type: single nucleotide variant.
Coding change: c.536C>T on transcript NM_003079.5 (MANE Select); coding-DNA position 536, C replaced by T.
Protein change: p.Pro179Leu; replaces proline 179 with leucine.
Molecular consequence: missense variant.
Genome position (GRCh38, 1-based): chr17:40,635,936, G>A on the plus strand (C>T on the coding strand, the complement: SMARCE1 is on the minus strand). VCF-style: chr17-40635936-G-A. GRCh37 (hg19) VCF-style: chr17-38792188-G-A.
Other names: short protein forms P179L.
Identifiers: ClinVar variation 1002575 (VCV001002575.9), dbSNP rs1160889864, ClinGen allele CA399366195.
Genomic context (GRCh38, chr17:40,635,936, plus strand): 5'-TCATATCTTAACTCACAGAGAAAGCATAAACAAAACCCCACTTTTTTTCTTTTACCATCT[G>A]GATCTTCAGCAGGCTGAATGCTCATGTACGGTTCTCCTTTCTCCATGCGAGATTGTCTCT-3'
Protein context (NP_003070.3, residues 169-189): PYMSIQPAED[Pro179Leu]DDYDDGFSMK